The following is an entry in ClinVar:

ClinVar aggregate classification (germline): Uncertain significance. Review status: criteria provided, multiple submitters, no conflicts (2 of 4 stars). 2 submissions from 2 submitters: Uncertain significance (2). Last evaluated 2026-04-30.

Conditions:
Inborn genetic diseases. Identifiers: MedGen C0950123, MeSH D030342.
Microphthalmia, isolated, with coloboma 6 (MCOPCB6). Also called: Microphthalmia with coloboma 6, digenic; Microphthalmia with coloboma 6; MICROPHTHALMIA/COLOBOMA 6. Identifiers: Orphanet 98938, MedGen C3150968, MONDO:0013376, OMIM 613703.
Leber congenital amaurosis 17 (LCA17). Identifiers: Orphanet 65, MedGen C3715164, MONDO:0014145, OMIM 615360.
Klippel-Feil syndrome 1, autosomal dominant (KFS1). Also called: CERVICAL VERTEBRAL FUSION, AUTOSOMAL DOMINANT. Identifiers: Orphanet 2345, MedGen C1861689, MONDO:0007306, OMIM 118100.
Isolated microphthalmia 4. Identifiers: Orphanet 2542, MedGen C2751307, MONDO:0013130, OMIM 613094.

Allele frequency attached by ClinVar (database versions not stated): ExAC 0.00001; gnomAD exomes below 0.00001.
gnomAD v4.1: 5 of 1,614,034 alleles (0.00031%); highest among the groups gnomAD compares: South Asian, 0.0011%; no homozygotes.

Submissions (2):

Ambry Genetics
Classification: Uncertain significance for Inborn genetic diseases. Last evaluated: 2026-04-30. Review status: criteria provided, single submitter. Criteria: Ambry Variant Classification Scheme 2023. Collection method: clinical testing. Allele origin: germline.

Labcorp Genetics (formerly Invitae), Labcorp
Classification: Uncertain significance for Isolated microphthalmia 4; Leber congenital amaurosis 17; Klippel-Feil syndrome 1, autosomal dominant; Microphthalmia, isolated, with coloboma 6. Last evaluated: 2021-10-20. Review status: criteria provided, single submitter. Criteria: Invitae Variant Classification Sherloc (09022015). Collection method: clinical testing. Allele origin: germline.
Comment: Algorithms developed to predict the effect of missense changes on protein structure and function are either unavailable or do not agree on the potential impact of this missense change (SIFT: "Deleterious"; PolyPhen-2: "Probably Damaging"; Align-GVGD: "Class C15"). This variant has not been reported in the literature in individuals affected with GDF6-related conditions. This variant is present in population databases (rs771878776, ExAC 0.006%). This sequence change replaces valine with methionine at codon 361 of the GDF6 protein (p.Val361Met). The valine residue is highly conserved and there is a small physicochemical difference between valine and methionine. In summary, the available evidence is currently insufficient to determine the role of this variant in disease. Therefore, it has been classified as a Variant of Uncertain Significance.

NM_001001557.4(GDF6):c.1081G>A (p.Val361Met)

Gene: GDF6 (growth differentiation factor 6; minus strand). Cytogenetic location: 8q22.1.
Variant type: single nucleotide variant.
Coding change: c.1081G>A on transcript NM_001001557.4 (MANE Select); coding-DNA position 1081, G replaced by A.
Protein change: p.Val361Met; replaces valine 361 with methionine.
Molecular consequence: missense variant.
Genome position (GRCh38, 1-based): chr8:96,144,850, C>T on the plus strand (G>A on the coding strand, the complement: GDF6 is on the minus strand). VCF-style: chr8-96144850-C-T. GRCh37 (hg19) VCF-style: chr8-97157078-C-T.
Other names: c.1081G>A (NM_001001557.2); short protein forms V361M.
Identifiers: ClinVar variation 1483245 (VCV001483245.7), dbSNP rs771878776, ClinGen allele CA4815370.
Genomic context (GRCh38, chr8:96,144,850, plus strand): 5'-AGGCCTCGTACTCCAGGGGCGCGATAATCCAGTCGTCCCAGCCCAGCTCCTTGAAGTTCA[C>T]GTGCAGGGGCTTCTTGCTGCAGCGTAGCCTGGACTTCTTGCCGTGCCGCTTGCCATGGCG-3'
Protein context (NP_001001557.1, residues 351-371): RLRCSKKPLH[Val361Met]NFKELGWDDW